The following is an entry in ClinVar:

NM_152564.5(VPS13B):c.11495+1G>A

Gene: VPS13B (vacuolar protein sorting 13 homolog B; plus strand). Cytogenetic location: 8q22.2.
Variant type: single nucleotide variant.
Coding change: c.11495+1G>A on transcript NM_152564.5 (MANE Select); the canonical splice donor site of the intron after coding-DNA position 11495, G replaced by A.
Molecular consequence: splice donor variant.
Genome position (GRCh38, 1-based): chr8:99,870,888, G>A. VCF-style: chr8-99870888-G-A. GRCh37 (hg19) VCF-style: chr8-100883116-G-A.
Other names: c.11570+1G>A (NM_017890.5).
Identifiers: ClinVar variation 2965092 (VCV002965092.3), dbSNP rs2492369001, ClinGen allele CA371793762.

ClinVar aggregate classification (germline): Likely pathogenic (1 of 4 stars; one submission).

Conditions:
Cohen syndrome (COH1). Also called: Cutis verticis gyrata, retinitis pigmentosa, and sensorineural deafness; PEPPER SYNDROME. Identifiers: Orphanet 193, MedGen C0265223, MONDO:0008999, OMIM 216550.

Submission:

Labcorp Genetics (formerly Invitae), Labcorp
Classification: Likely pathogenic for Cohen syndrome. Last evaluated: 2023-11-24. Review status: criteria provided, single submitter. Criteria: Invitae Variant Classification Sherloc (09022015). Collection method: clinical testing. Allele origin: germline.
Comment: This sequence change affects a donor splice site in intron 60 of the VPS13B gene. It is expected to disrupt RNA splicing. Variants that disrupt the donor or acceptor splice site typically lead to a loss of protein function (PMID: 16199547), and loss-of-function variants in VPS13B are known to be pathogenic (PMID: 15141358, 16648375, 20461111). This variant is not present in population databases (gnomAD no frequency). This variant has not been reported in the literature in individuals affected with VPS13B-related conditions. Algorithms developed to predict the effect of sequence changes on RNA splicing suggest that this variant may disrupt the consensus splice site. In summary, the currently available evidence indicates that the variant is pathogenic, but additional data are needed to prove that conclusively. Therefore, this variant has been classified as Likely Pathogenic.

Literature cited by the submitters: PubMed 16199547; PubMed 15141358; PubMed 16648375; PubMed 20461111.